The following is an entry in ClinVar:

NM_001394998.1(TANC2):c.1090C>T (p.Pro364Ser)

Gene: TANC2 (tetratricopeptide repeat, ankyrin repeat and coiled-coil containing 2; plus strand). Cytogenetic location: 17q23.3.
Variant type: single nucleotide variant.
Coding change: c.1090C>T on transcript NM_001394998.1 (MANE Select); coding-DNA position 1090, C replaced by T.
Protein change: p.Pro364Ser; replaces proline 364 with serine.
Molecular consequence: missense variant.
Genome position (GRCh38, 1-based): chr17:63,267,804, C>T. VCF-style: chr17-63267804-C-T. GRCh37 (hg19) VCF-style: chr17-61345165-C-T.
Other names: c.868C>T, p.Pro290Ser (NM_001411076.1, NM_025185.4); short protein forms P290S, P364S.
Identifiers: ClinVar variation 4537684 (VCV004537684.1).

ClinVar aggregate classification (germline): Uncertain significance (1 of 4 stars; one submission).

Submission:

GeneDx
Classification: Uncertain significance. Last evaluated: 2025-06-10. Review status: criteria provided, single submitter. Criteria: GeneDx Variant Classification Process June 2021. Collection method: clinical testing. Allele origin: germline. Affected: yes.
Comment: Not observed at significant frequency in large population cohorts (gnomAD); In silico analysis supports that this missense variant has a deleterious effect on protein structure/function; Has not been previously published as pathogenic or benign to our knowledge